The following is an entry in ClinVar:

ClinVar aggregate classification (germline): Uncertain significance. Review status: criteria provided, multiple submitters, no conflicts (2 of 4 stars). 2 submissions from 2 submitters: Uncertain significance (2). Last evaluated 2022-09-11.

Conditions:
Dyskeratosis congenita, autosomal dominant 2. Identifiers: MedGen C3151443, MONDO:0013521, OMIM 613989.
Idiopathic Pulmonary Fibrosis. Also called: Idiopathic fibrosing alveolitis, chronic form; idiopathic fibrosing alveolitis. Identifiers: Orphanet 2032, MedGen C1800706, MeSH D054990, MONDO:0800504.
Dyskeratosis congenita. Identifiers: Orphanet 1775, MedGen C0265965, MONDO:0015780.

Allele frequency attached by ClinVar (database versions not stated): gnomAD exomes below 0.00001 and 0.00001; gnomAD 0.00001.
gnomAD v4.1: 5 of 1,613,592 alleles (0.00031%); no homozygotes.

Submissions (2):

Ambry Genetics
Classification: Uncertain significance for Dyskeratosis congenita. Last evaluated: 2022-09-11. Review status: criteria provided, single submitter. Criteria: Ambry Variant Classification Scheme 2023. Collection method: clinical testing. Allele origin: germline.
Comment: The p.H609Y variant (also known as c.1825C>T), located in coding exon 4 of the TERT gene, results from a C to T substitution at nucleotide position 1825. The histidine at codon 609 is replaced by tyrosine, an amino acid with similar properties. This amino acid position is conserved. In addition, this alteration is predicted to be tolerated by in silico analysis. Since supporting evidence is limited at this time, the clinical significance of this alteration remains unclear.

Labcorp Genetics (formerly Invitae), Labcorp
Classification: Uncertain significance for Dyskeratosis congenita, autosomal dominant 2; Idiopathic Pulmonary Fibrosis. Last evaluated: 2021-09-01. Review status: criteria provided, single submitter. Criteria: Invitae Variant Classification Sherloc (09022015). Collection method: clinical testing. Allele origin: germline.
Comment: This sequence change replaces histidine with tyrosine at codon 609 of the TERT protein (p.His609Tyr). The histidine residue is weakly conserved and there is a moderate physicochemical difference between histidine and tyrosine. This variant is not present in population databases (ExAC no frequency). This variant has not been reported in the literature in individuals affected with TERT-related conditions. Algorithms developed to predict the effect of missense changes on protein structure and function output the following: SIFT: "Tolerated"; PolyPhen-2: "Benign"; Align-GVGD: "Class C0". The tyrosine amino acid residue is found in multiple mammalian species, which suggests that this missense change does not adversely affect protein function. In summary, the available evidence is currently insufficient to determine the role of this variant in disease. Therefore, it has been classified as a Variant of Uncertain Significance.

NM_198253.3(TERT):c.1825C>T (p.His609Tyr)

Gene: TERT (telomerase reverse transcriptase; minus strand). Cytogenetic location: 5p15.33.
Variant type: single nucleotide variant.
Coding change: c.1825C>T on transcript NM_198253.3 (MANE Select); coding-DNA position 1825, C replaced by T.
Protein change: p.His609Tyr; replaces histidine 609 with tyrosine.
Molecular consequence: missense variant. On other transcripts: non-coding transcript variant (2).
Genome position (GRCh38, 1-based): chr5:1,280,283, G>A on the plus strand (C>T on the coding strand, the complement: TERT is on the minus strand). VCF-style: chr5-1280283-G-A. GRCh37 (hg19) VCF-style: chr5-1280398-G-A.
Other names: c.1825C>T, p.His609Tyr (NM_001193376.3); short protein forms H609Y.
Identifiers: ClinVar variation 539187 (VCV000539187.8), dbSNP rs1263419082, ClinGen allele CA359081902.
Genomic context (GRCh38, chr5:1,280,283, plus strand): 5'-CGTCAGGCTTGGGGATGAAGCGGAGTCTGGACGTCAGCAGGGCGGGCCTGGCTTCCCGAT[G>A]CTGCCTGACCTCTGCTTCCGACAGCTCCCGCAGCTGCACCCTCTTCAAGTGCTGTCTGCA-3'
Protein context (NP_937983.2, residues 599-619): RELSEAEVRQ[His609Tyr]REARPALLTS